The following is an entry in ClinVar:

NM_018646.6(TRPV6):c.762_765del (p.Gln254fs)

Gene: TRPV6 (transient receptor potential cation channel subfamily V member 6; minus strand). Cytogenetic location: 7q34.
Variant type: Deletion.
Coding change: c.762_765del on transcript NM_018646.6 (MANE Select); coding-DNA positions 762 to 765, 4 bases deleted (GATG; older notation c.762_765delGATG).
Protein change: p.Gln254fs; shifts the reading frame from glutamine 254.
Molecular consequence: frameshift variant.
Genome position (GRCh38, 1-based): chr7:142,876,525-142,876,528, CATC deleted on the plus strand (GATG on the coding strand, the reverse complement: TRPV6 is on the minus strand). VCF-style (leftmost placement, unchanged base first): chr7-142876524-ACATC-A. GRCh37 (hg19) VCF-style: chr7-142574277-ACATC-A.
Other names: p.Gln254Hisfs*40; short protein forms Q254fs.
Identifiers: ClinVar variation 3620415 (VCV003620415.3).

ClinVar aggregate classification (germline): Pathogenic/Likely pathogenic. Review status: criteria provided, multiple submitters, no conflicts (2 of 4 stars). 2 submissions from 2 submitters: Pathogenic (1); Likely pathogenic (1). Last evaluated 2025-08-29.

Submissions (2):

Mayo Clinic Laboratories, Mayo Clinic
Classification: Likely pathogenic. Last evaluated: 2025-08-29. Review status: criteria provided, single submitter. Criteria: ACMG Guidelines, 2015. Collection method: clinical testing. Allele origin: germline. Observed: 1 variant allele.
Comment: PM2_supporting, PVS1

Labcorp Genetics (formerly Invitae), Labcorp
Classification: Pathogenic. Last evaluated: 2024-07-09. Review status: criteria provided, single submitter. Criteria: Invitae Variant Classification Sherloc (09022015). Collection method: clinical testing. Allele origin: germline.
Comment: This sequence change creates a premature translational stop signal (p.Gln254Hisfs*40) in the TRPV6 gene. It is expected to result in an absent or disrupted protein product. Loss-of-function variants in TRPV6 are known to be pathogenic (PMID: 29861107, 30144375). This variant is not present in population databases (gnomAD no frequency). This variant has not been reported in the literature in individuals affected with TRPV6-related conditions. For these reasons, this variant has been classified as Pathogenic.

Literature cited by the submitters: PubMed 29861107 (cited by Labcorp Genetics (formerly Invitae), Labcorp); PubMed 30144375 (cited by Labcorp Genetics (formerly Invitae), Labcorp).